The following is an entry in ClinVar:

ClinVar aggregate classification (germline): Uncertain significance (1 of 4 stars; one submission).

Conditions:
Left ventricular noncompaction 8 (LVNC8). Identifiers: Orphanet 154, Orphanet 54260, MedGen C3809288, MONDO:0014152, OMIM 615373.

Allele frequency attached by ClinVar (database versions not stated): gnomAD 0.00001; gnomAD exomes 0.00002; TOPMed 0.00002; ExAC 0.00004.
gnomAD v4.1: 30 of 1,548,038 alleles (0.0019%); highest among the groups gnomAD compares: South Asian, 0.0099%; no homozygotes.

Submission:

Labcorp Genetics (formerly Invitae), Labcorp
Classification: Uncertain significance for Left ventricular noncompaction 8. Last evaluated: 2025-05-07. Review status: criteria provided, single submitter. Criteria: Invitae Variant Classification Sherloc (09022015). Collection method: clinical testing. Allele origin: germline.
Comment: This sequence change replaces alanine, which is neutral and non-polar, with valine, which is neutral and non-polar, at codon 120 of the PRDM16 protein (p.Ala120Val). This variant is present in population databases (rs770130107, gnomAD 0.02%). This variant has not been reported in the literature in individuals affected with PRDM16-related conditions. ClinVar contains an entry for this variant (Variation ID: 666084). An algorithm developed to predict the effect of missense changes on protein structure and function (PolyPhen-2) suggests that this variant is likely to be tolerated. In summary, the available evidence is currently insufficient to determine the role of this variant in disease. Therefore, it has been classified as a Variant of Uncertain Significance.

NM_022114.4(PRDM16):c.359C>T (p.Ala120Val)

Gene: PRDM16 (PR/SET domain 16; plus strand). Cytogenetic location: 1p36.32.
Variant type: single nucleotide variant.
Coding change: c.359C>T on transcript NM_022114.4 (MANE Select); coding-DNA position 359, C replaced by T.
Protein change: p.Ala120Val; replaces alanine 120 with valine.
Molecular consequence: missense variant.
Genome position (GRCh38, 1-based): chr1:3,186,446, C>T. VCF-style: chr1-3186446-C-T. GRCh37 (hg19) VCF-style: chr1-3103010-C-T.
Other names: c.359C>T, p.Ala120Val (NM_199454.3); short protein forms A120V.
Identifiers: ClinVar variation 666084 (VCV000666084.8), dbSNP rs770130107, ClinGen allele CA543751.